The following is an entry in ClinVar:

NM_001039213.4(CEACAM16):c.1000G>A (p.Val334Ile)

Genes: CEACAM16 (CEA cell adhesion molecule 16, tectorial membrane component; plus strand), CEACAM16-AS1 (CEACAM16, CEACAM19 and PVR antisense RNA 1; minus strand). Cytogenetic location: 19q13.32.
Variant type: single nucleotide variant.
Coding change: c.1000G>A on transcript NM_001039213.4 (MANE Select); coding-DNA position 1000, G replaced by A.
Protein change: p.Val334Ile; replaces valine 334 with isoleucine.
Molecular consequence: missense variant.
Genome position (GRCh38, 1-based): chr19:44,707,920, G>A. VCF-style: chr19-44707920-G-A. GRCh37 (hg19) VCF-style: chr19-45211192-G-A.
Other names: short protein forms V334I.
Identifiers: ClinVar variation 3614526 (VCV003614526.3).
Genomic context (GRCh38, chr19:44,707,920, plus strand): 5'-GCTGCAGCAGTTGCCACGATGATCGTGCCCGTGCCCACCAAGCCAACGGAGGGCCAGGAC[G>A]TAACACTGACCGTGCAGGGCTACCCCAAGGACCTGCTGGTCTACGCCTGGTACCGCGGGC-3'
Protein context (NP_001034302.2, residues 324-344): VPTKPTEGQD[Val334Ile]TLTVQGYPKD

ClinVar aggregate classification (germline): Uncertain significance. Review status: criteria provided, multiple submitters, no conflicts (2 of 4 stars). 2 submissions from 2 submitters: Uncertain significance (2). Last evaluated 2025-10-01.

gnomAD v4.1: 34 of 1,586,768 alleles (0.0021%); highest among the groups gnomAD compares: African/African-American, 0.0094%; no homozygotes.

Submissions (2):

Labcorp Genetics (formerly Invitae), Labcorp
Classification: Uncertain significance. Last evaluated: 2025-10-01. Review status: criteria provided, single submitter. Criteria: Invitae Variant Classification Sherloc (09022015). Collection method: clinical testing. Allele origin: germline.
Comment: This sequence change replaces valine, which is neutral and non-polar, with isoleucine, which is neutral and non-polar, at codon 334 of the CEACAM16 protein (p.Val334Ile). This variant is present in population databases (rs761104359, gnomAD 0.01%). This variant has not been reported in the literature in individuals affected with CEACAM16-related conditions. ClinVar contains an entry for this variant (Variation ID: 3614526). Invitae Evidence Modeling of protein sequence and biophysical properties (such as structural, functional, and spatial information, amino acid conservation, physicochemical variation, residue mobility, and thermodynamic stability) indicates that this missense variant is not expected to disrupt CEACAM16 protein function with a negative predictive value of 80%. In summary, the available evidence is currently insufficient to determine the role of this variant in disease. Therefore, it has been classified as a Variant of Uncertain Significance.

Blueprint Genetics
Classification: Uncertain significance. Last evaluated: 2021-09-07. Review status: criteria provided, single submitter. Criteria: ACMG Guidelines, 2015. Collection method: clinical testing. Allele origin: germline.